The following is an entry in ClinVar:

NM_003640.5(ELP1):c.2860_2860+1delinsTA

Gene: ELP1 (elongator acetyltransferase complex subunit 1; minus strand). Cytogenetic location: 9q31.3.
Variant type: Indel.
Coding change: c.2860_2860+1delinsTA on transcript NM_003640.5 (MANE Select); coding-DNA position 2860 through the canonical splice donor site of the intron after coding-DNA position 2860, GG replaced by TA.
Molecular consequence: splice donor variant.
Genome position (GRCh38, 1-based): chr9:108,893,942-108,893,943, CC replaced by TA on the plus strand (GG replaced by TA on the coding strand, the reverse complement: ELP1 is on the minus strand). VCF-style: chr9-108893942-CC-TA. GRCh37 (hg19) VCF-style: chr9-111656222-CC-TA.
Other names: c.2860_2860+1delGGinsTA (NM_003640.4); c.2518_2518+1delinsTA (NM_001318360.2); c.1813_1813+1delinsTA (NM_001330749.2).
Identifiers: ClinVar variation 2961874 (VCV002961874.4), dbSNP rs2537884101, ClinGen allele CA2740095558.

ClinVar aggregate classification (germline): Likely pathogenic. Review status: criteria provided, multiple submitters, no conflicts (2 of 4 stars). 2 submissions from 2 submitters: Likely pathogenic (2). Last evaluated 2025-05-30.

Conditions:
Familial dysautonomia. Also called: HSAN III; FD. Identifiers: Orphanet 1764, MedGen C0013364, MONDO:0009131, OMIM 223900. Disease mechanism: loss of function.

Submissions (2):

Natera, Inc.
Classification: Likely pathogenic for Familial dysautonomia. Last evaluated: 2025-05-30. Review status: criteria provided, single submitter. Criteria: Natera Variant Classification Schema (03/2026). Collection method: clinical testing. Allele origin: germline.
Comment: The c.2860_2860+1delGGinsTA variant in ELP1 is a canonical splice donor site variant predicted to affect pre-mRNA splicing, which may result in an abnormal transcript and altered protein product. This variant is expected to result in nonsense mediated decay, truncation, or a dysfunctional protein product. This variant is rare in the general population with a frequency below the threshold expected for the associated phenotype(s). Given the available evidence, this variant is classified as Likely Pathogenic.

Labcorp Genetics (formerly Invitae), Labcorp
Classification: Likely pathogenic. Last evaluated: 2023-09-12. Review status: criteria provided, single submitter. Criteria: Invitae Variant Classification Sherloc (09022015). Collection method: clinical testing. Allele origin: germline.
Comment: In summary, the currently available evidence indicates that the variant is pathogenic, but additional data are needed to prove that conclusively. Therefore, this variant has been classified as Likely Pathogenic. This variant has not been reported in the literature in individuals affected with ELP1-related conditions. Information on the frequency of this variant in the gnomAD database is not available, as this variant may be reported differently in the database. This variant results in the deletion of part of exon 26 (c.2860_2860+1delinsTA) of the ELP1 gene. It is expected to disrupt RNA splicing. Variants that disrupt the donor or acceptor splice site typically lead to a loss of protein function (PMID: 16199547), and loss-of-function variants in ELP1 are known to be pathogenic (PMID: 18303054, 24173031).

Literature cited by the submitters: PubMed 16199547 (cited by Labcorp Genetics (formerly Invitae), Labcorp); PubMed 18303054 (cited by Labcorp Genetics (formerly Invitae), Labcorp); PubMed 24173031 (cited by Labcorp Genetics (formerly Invitae), Labcorp).